The following is an entry in ClinVar:

NM_001256789.3(CACNA1F):c.1156G>A (p.Gly386Arg)

Gene: CACNA1F (calcium voltage-gated channel subunit alpha1 F; minus strand). Cytogenetic location: Xp11.23.
Variant type: single nucleotide variant.
Coding change: c.1156G>A on transcript NM_001256789.3 (MANE Select); coding-DNA position 1156, G replaced by A.
Protein change: p.Gly386Arg; replaces glycine 386 with arginine.
Molecular consequence: missense variant.
Genome position (GRCh38, 1-based): chrX:49,227,090, C>T on the plus strand (G>A on the coding strand, the complement: CACNA1F is on the minus strand). VCF-style: chrX-49227090-C-T. GRCh37 (hg19) VCF-style: chrX-49083552-C-T.
Other names: c.961G>A, p.Gly321Arg (NM_001256790.3); c.1156G>A, p.Gly386Arg (NM_005183.4); short protein forms G386R, G321R.
Identifiers: ClinVar variation 966887 (VCV000966887.13), dbSNP rs782315613, ClinGen allele CA10410938.

ClinVar aggregate classification (germline): Uncertain significance. Review status: criteria provided, single submitter (1 of 4 stars). 3 submissions from 3 submitters: Uncertain significance (1). 2 of the submissions do not count toward it. Last evaluated 2024-06-06.

Allele frequency attached by ClinVar (database versions not stated): ExAC 0.00003; gnomAD exomes 0.00003 and 0.00007; TOPMed 0.00004; gnomAD 0.00005 and 0.00007.
gnomAD v4.1: 84 of 1,191,962 alleles (0.007%); highest among the groups gnomAD compares: Non-Finnish European, 0.0087%; no homozygotes.

Submissions (3):

Labcorp Genetics (formerly Invitae), Labcorp
Classification: Uncertain significance. Last evaluated: 2024-06-06. Review status: criteria provided, single submitter. Criteria: Invitae Variant Classification Sherloc (09022015). Collection method: clinical testing. Allele origin: germline.
Comment: This sequence change replaces glycine, which is neutral and non-polar, with arginine, which is basic and polar, at codon 386 of the CACNA1F protein (p.Gly386Arg). This variant is present in population databases (rs782315613, gnomAD 0.01%). This variant has not been reported in the literature in individuals affected with CACNA1F-related conditions. ClinVar contains an entry for this variant (Variation ID: 966887). Advanced modeling of protein sequence and biophysical properties (such as structural, functional, and spatial information, amino acid conservation, physicochemical variation, residue mobility, and thermodynamic stability) performed at Invitae indicates that this missense variant is not expected to disrupt CACNA1F protein function with a negative predictive value of 80%. In summary, the available evidence is currently insufficient to determine the role of this variant in disease. Therefore, it has been classified as a Variant of Uncertain Significance.

Clinical Genetics, Academic Medical Center
Classification: Likely benign. Review status: no assertion criteria provided. Collection method: clinical testing. Allele origin: germline. Affected: yes. Study: VKGL Data-share Consensus. Not counted in ClinVar's aggregate classification.

Joint Genome Diagnostic Labs from Nijmegen and Maastricht, Radboudumc and MUMC+
Classification: Likely benign. Review status: no assertion criteria provided. Collection method: clinical testing. Allele origin: germline. Affected: yes. Study: VKGL Data-share Consensus. Not counted in ClinVar's aggregate classification.